The following is an entry in ClinVar:

ClinVar aggregate classification (germline): Uncertain significance (1 of 4 stars; one submission).

Conditions:
Hereditary cancer-predisposing syndrome. Also called: Neoplastic Syndromes, Hereditary; Tumor predisposition; Hereditary neoplastic syndrome; Hereditary Cancer Syndrome. Identifiers: Orphanet 140162, MedGen C0027672, MeSH D009386, MONDO:0015356.

Submission:

Ambry Genetics
Classification: Uncertain significance for Hereditary cancer-predisposing syndrome. Last evaluated: 2025-06-06. Review status: criteria provided, single submitter. Criteria: Ambry Variant Classification Scheme 2023. Collection method: clinical testing. Allele origin: germline.
Comment: The p.E893K variant (also known as c.2677G>A), located in coding exon 19 of the KIT gene, results from a G to A substitution at nucleotide position 2677. The glutamic acid at codon 893 is replaced by lysine, an amino acid with similar properties. This amino acid position is conserved. In addition, the in silico prediction for this alteration is inconclusive. Based on the available evidence, the clinical significance of this variant remains unclear.

NM_000222.3(KIT):c.2677G>A (p.Glu893Lys)

Gene: KIT (KIT proto-oncogene, receptor tyrosine kinase; plus strand). Cytogenetic location: 4q12.
Variant type: single nucleotide variant.
Coding change: c.2677G>A on transcript NM_000222.3 (MANE Select); coding-DNA position 2677, G replaced by A.
Protein change: p.Glu893Lys; replaces glutamic acid 893 with lysine.
Molecular consequence: missense variant.
Genome position (GRCh38, 1-based): chr4:54,736,801, G>A. VCF-style: chr4-54736801-G-A. GRCh37 (hg19) VCF-style: chr4-55602967-G-A.
Other names: c.2665G>A, p.Glu889Lys (NM_001093772.2, NM_001385292.1); c.2680G>A, p.Glu894Lys (NM_001385284.1); c.2674G>A, p.Glu892Lys (NM_001385285.1); c.2662G>A, p.Glu888Lys (NM_001385286.1); c.2668G>A, p.Glu890Lys (NM_001385288.1); c.2677G>A, p.Glu893Lys (NM_001385290.1); short protein forms E894K, E888K, E889K, E890K, E892K, E893K.
Identifiers: ClinVar variation 4043741 (VCV004043741.1).
Genomic context (GRCh38, chr4:54,736,801, plus strand): 5'-ATGCCGGTCGATTCTAAGTTCTACAAGATGATCAAGGAAGGCTTCCGGATGCTCAGCCCT[G>A]AACACGCACCTGCTGAAATGTAAGAGCCAAAAAATTTTTCCTTTAGGTCACGTTTTCCCT-3'
Protein context (NP_000213.1, residues 883-903): IKEGFRMLSP[Glu893Lys]HAPAEMYDIM